The following is an entry in ClinVar:

ClinVar aggregate classification (germline): Uncertain significance (1 of 4 stars; one submission).

gnomAD v4.1: 3 of 1,208,533 alleles (0.00025%); highest among the groups gnomAD compares: African/African-American, 0.0053%; no homozygotes.

Submission:

GeneDx
Classification: Uncertain significance. Last evaluated: 2026-03-06. Review status: criteria provided, single submitter. Criteria: GeneDx Variant Classification Process June 2021. Collection method: clinical testing. Allele origin: germline.
Comment: In silico analysis supports that this missense variant has a deleterious effect on protein structure/function; Has not been previously published as pathogenic or benign to our knowledge

NM_020922.5(WNK3):c.1573A>C (p.Thr525Pro)

Gene: WNK3 (WNK lysine deficient protein kinase 3; minus strand). Cytogenetic location: Xp11.22.
Variant type: single nucleotide variant.
Coding change: c.1573A>C on transcript NM_020922.5 (MANE Select); coding-DNA position 1573, A replaced by C.
Protein change: p.Thr525Pro; replaces threonine 525 with proline.
Molecular consequence: missense variant.
Genome position (GRCh38, 1-based): chrX:54,294,673, T>G on the plus strand (A>C on the coding strand, the complement: WNK3 is on the minus strand). VCF-style: chrX-54294673-T-G. GRCh37 (hg19) VCF-style: chrX-54321106-T-G.
Other names: c.1573A>C, p.Thr525Pro (NM_001002838.4, NM_001395166.1); short protein forms T525P.
Identifiers: ClinVar variation 5008758 (VCV005008758.1).